The following is an entry in ClinVar:

NM_182961.4(SYNE1):c.21951C>G (p.Ser7317=)

Gene: SYNE1 (spectrin repeat containing nuclear envelope protein 1; minus strand). Cytogenetic location: 6q25.2.
Variant type: single nucleotide variant.
Coding change: c.21951C>G on transcript NM_182961.4 (MANE Select); coding-DNA position 21951, C replaced by G.
Protein change: p.Ser7317=; no amino-acid change (serine 7317 retained).
Molecular consequence: synonymous variant.
Genome position (GRCh38, 1-based): chr6:152,219,096, G>C on the plus strand (C>G on the coding strand, the complement: SYNE1 is on the minus strand). VCF-style: chr6-152219096-G-C. GRCh37 (hg19) VCF-style: chr6-152540231-G-C.
Other names: c.21738C>G, p.Ser7246= (NM_033071.5).
Identifiers: ClinVar variation 2657006 (VCV002657006.24), dbSNP rs368864479, ClinGen allele CA452749203.

ClinVar aggregate classification (germline): Likely benign (1 of 4 stars; one submission).

gnomAD v4.1: 1 of 1,613,864 alleles (0.000062%); highest among the groups gnomAD compares: Non-Finnish European, 0.000085%; no homozygotes.

Submission:

CeGaT Center for Human Genetics Tuebingen
Classification: Likely benign. Last evaluated: 2023-05-01. Review status: criteria provided, single submitter. Criteria: CeGaT Center For Human Genetics Tuebingen Variant Classification Criteria Version 2. Collection method: clinical testing. Allele origin: germline. Affected: yes. Observed: 1 variant allele.
Comment: SYNE1: PM2:Supporting, BP4, BP7